The following is an entry in ClinVar:

NM_022173.4(TIA1):c.728T>C (p.Ile243Thr)

Gene: TIA1 (TIA1 cytotoxic granule associated RNA binding protein; minus strand). Cytogenetic location: 2p13.3.
Variant type: single nucleotide variant.
Coding change: c.728T>C on transcript NM_022173.4 (MANE Select); coding-DNA position 728, T replaced by C.
Protein change: p.Ile243Thr; replaces isoleucine 243 with threonine.
Molecular consequence: missense variant. On other transcripts: non-coding transcript variant (17).
Genome position (GRCh38, 1-based): chr2:70,216,244, A>G on the plus strand (T>C on the coding strand, the complement: TIA1 is on the minus strand). VCF-style: chr2-70216244-A-G. GRCh37 (hg19) VCF-style: chr2-70443376-A-G.
Other names: c.728T>C, p.Ile243Thr (NM_001351508.2, NM_001351516.2); c.701T>C, p.Ile234Thr (NM_001351509.2); c.695T>C, p.Ile232Thr (NM_001351510.2, NM_022037.4); c.617T>C, p.Ile206Thr (NM_001351511.1); c.590T>C, p.Ile197Thr (NM_001351512.1); c.584T>C, p.Ile195Thr (NM_001351513.1); c.500T>C, p.Ile167Thr (NM_001351514.2); c.425T>C, p.Ile142Thr (NM_001351515.2); and 1 more; short protein forms I103T, I195T, I206T, I142T, I232T, I234T, I167T, I197T.
Identifiers: ClinVar variation 3715550 (VCV003715550.2).

ClinVar aggregate classification (germline): Uncertain significance (1 of 4 stars; one submission).

Conditions:
Welander distal myopathy (WDM). Also called: Gower's muscular dystrophy; Welander distal myopathy, Swedish type; Distal myopathy, Swedish type; MUSCULAR DYSTROPHY, DISTAL, LATE-ONSET, AUTOSOMAL DOMINANT. Identifiers: Orphanet 603, MedGen C0221054, MONDO:0011466, OMIM 604454.

gnomAD v4.1: 7 of 1,591,938 alleles (0.00044%); highest among the groups gnomAD compares: Non-Finnish European, 0.00051%; no homozygotes.

Submission:

Labcorp Genetics (formerly Invitae), Labcorp
Classification: Uncertain significance for Welander distal myopathy. Last evaluated: 2025-04-22. Review status: criteria provided, single submitter. Criteria: Invitae Variant Classification Sherloc (09022015). Collection method: clinical testing. Allele origin: germline.
Comment: This sequence change replaces isoleucine, which is neutral and non-polar, with threonine, which is neutral and polar, at codon 243 of the TIA1 protein (p.Ile243Thr). This variant is present in population databases (no rsID available, gnomAD 0.002%). This variant has not been reported in the literature in individuals affected with TIA1-related conditions. ClinVar contains an entry for this variant (Variation ID: 3715550). Invitae Evidence Modeling of protein sequence and biophysical properties (such as structural, functional, and spatial information, amino acid conservation, physicochemical variation, residue mobility, and thermodynamic stability) indicates that this missense variant is not expected to disrupt TIA1 protein function with a negative predictive value of 80%. In summary, the available evidence is currently insufficient to determine the role of this variant in disease. Therefore, it has been classified as a Variant of Uncertain Significance.